The following is an entry in ClinVar:

NM_001614.5(ACTG1):c.558C>T (p.Thr186=)

Gene: ACTG1 (actin gamma 1; minus strand). Cytogenetic location: 17q25.3.
Variant type: single nucleotide variant.
Coding change: c.558C>T on transcript NM_001614.5 (MANE Select); coding-DNA position 558, C replaced by T.
Protein change: p.Thr186=; no amino-acid change (threonine 186 retained).
Molecular consequence: synonymous variant. On other transcripts: non-coding transcript variant (1).
Genome position (GRCh38, 1-based): chr17:81,511,432, G>A on the plus strand (C>T on the coding strand, the complement: ACTG1 is on the minus strand). VCF-style: chr17-81511432-G-A. GRCh37 (hg19) VCF-style: chr17-79478458-G-A.
Other names: c.558C>T, p.Thr186= (NM_001199954.3).
Identifiers: ClinVar variation 379380 (VCV000379380.39), dbSNP rs142893042, ClinGen allele CA8836050.

ClinVar aggregate classification (germline): Benign/Likely benign. Review status: criteria provided, multiple submitters, no conflicts (2 of 4 stars). 11 submissions from 10 submitters: Benign (6); Likely benign (4). 1 of the submissions does not count toward it. Last evaluated 2026-09-01.

Conditions:
Baraitser-winter syndrome 2. Identifiers: Orphanet 2995, MedGen C3281235, MONDO:0013812, OMIM 614583.
Autosomal dominant nonsyndromic hearing loss 20. Identifiers: Orphanet 90635, MedGen C1858172, MONDO:0011480, OMIM 604717.
ACTG1-related disorder. Also called: ACTG1-related condition; ACTG1-related disorders.

Allele frequency attached by ClinVar (database versions not stated): TOPMed 0.00509; 1000 Genomes Project 0.00539; ESP Exome Variant Server 0.00600; 1000 Genomes Project 30x 0.00609.
gnomAD v4.1: 1,331 of 1,613,892 alleles (0.082%); highest among the groups gnomAD compares: African/African-American, 1.5%; 4 homozygotes.

Submissions (11):

CeGaT Center for Human Genetics Tuebingen
Classification: Likely benign. Last evaluated: 2026-09-01. Review status: criteria provided, single submitter. Criteria: CeGaT Center For Human Genetics Tuebingen Variant Classification Criteria Version 2. Collection method: clinical testing. Allele origin: germline. Affected: yes. Observed: 2 variant alleles.
Comment: ACTG1: BP4, BP7, BS1

Labcorp Genetics (formerly Invitae), Labcorp
Classification: Benign for Baraitser-winter syndrome 2; Autosomal dominant nonsyndromic hearing loss 20. Last evaluated: 2026-01-28. Review status: criteria provided, single submitter. Criteria: Invitae Variant Classification Sherloc (09022015). Collection method: clinical testing. Allele origin: germline.

Blueprint Genetics
Classification: Likely benign. Last evaluated: 2024-11-27. Review status: criteria provided, single submitter. Criteria: ACMG Guidelines, 2015. Collection method: clinical testing. Allele origin: germline.

Genome-Nilou Lab
Classification: Benign for Baraitser-winter syndrome 2. Last evaluated: 2021-12-05. Review status: criteria provided, single submitter. Criteria: ACMG Guidelines, 2015. Collection method: clinical testing. Allele origin: germline. Affected: no.

Genome-Nilou Lab
Classification: Benign for Autosomal dominant nonsyndromic hearing loss 20. Last evaluated: 2021-12-05. Review status: criteria provided, single submitter. Criteria: ACMG Guidelines, 2015. Collection method: clinical testing. Allele origin: germline. Affected: no.

Athena Diagnostics
Classification: Benign. Last evaluated: 2018-11-12. Review status: criteria provided, single submitter. Criteria: Athena Diagnostics Criteria. Collection method: clinical testing. Allele origin: germline.

GeneDx
Classification: Benign. Last evaluated: 2016-12-09. Review status: criteria provided, single submitter. Criteria: GeneDx Variant Classification (06012015). Collection method: clinical testing. Allele origin: germline. Affected: yes.
Comment: This variant is considered likely benign or benign based on one or more of the following criteria: it is a conservative change, it occurs at a poorly conserved position in the protein, it is predicted to be benign by multiple in silico algorithms, and/or has population frequency not consistent with disease.

Genetic Services Laboratory, University of Chicago
Classification: Likely benign. Last evaluated: 2016-04-28. Review status: criteria provided, single submitter. Criteria: ACMG Guidelines, 2015. Collection method: clinical testing. Allele origin: germline. Affected: no.

Laboratory for Molecular Medicine, Mass General Brigham Personalized Medicine
Classification: Benign. Last evaluated: 2012-04-30. Review status: criteria provided, single submitter. Criteria: LMM Criteria. Collection method: clinical testing. Allele origin: germline. Observed: 5 variant alleles.
Comment: Thr186Thr in Exon 04 of ACTG1: This variant is not expected to have clinical sig nificance because it does not alter an amino acid residue, is not located within the splice consensus sequence, and has been identified in 1.9% (71/3736) of Afr ican American chromosomes from a broad population by the NHLBI Exome Sequencing Project (dbSNP rs142893042).

Breakthrough Genomics
Classification: Likely benign. Review status: criteria provided, single submitter. Criteria: ACMG Guidelines, 2015. Collection method: not provided. Allele origin: germline. Inheritance: Autosomal dominant inheritance. Affected: yes.

PreventionGenetics, part of Exact Sciences
Classification: Benign for ACTG1-related condition. Last evaluated: 2019-08-28. Review status: no assertion criteria provided. Collection method: clinical testing. Allele origin: germline. Not counted in ClinVar's aggregate classification.
Comment: This variant is classified as benign based on ACMG/AMP sequence variant interpretation guidelines (Richards et al. 2015 PMID: 25741868, with internal and published modifications).